The following is an entry in ClinVar:

NM_001369.3(DNAH5):c.566T>C (p.Leu189Pro)

Gene: DNAH5 (dynein axonemal heavy chain 5; minus strand). Cytogenetic location: 5p15.2.
Variant type: single nucleotide variant.
Coding change: c.566T>C on transcript NM_001369.3 (MANE Select); coding-DNA position 566, T replaced by C.
Protein change: p.Leu189Pro; replaces leucine 189 with proline.
Molecular consequence: missense variant.
Genome position (GRCh38, 1-based): chr5:13,922,201, A>G on the plus strand (T>C on the coding strand, the complement: DNAH5 is on the minus strand). VCF-style: chr5-13922201-A-G. GRCh37 (hg19) VCF-style: chr5-13922310-A-G.
Other names: short protein forms L189P.
Identifiers: ClinVar variation 1507394 (VCV001507394.8), dbSNP rs1777384254, ClinGen allele CA359222619.

ClinVar aggregate classification (germline): Uncertain significance (1 of 4 stars; one submission).

Conditions:
Primary ciliary dyskinesia. Also called: Ciliary dyskinesia. Identifiers: Orphanet 244, MedGen C0008780, MONDO:0016575, HP:0012265.

Submission:

Labcorp Genetics (formerly Invitae), Labcorp
Classification: Uncertain significance for Primary ciliary dyskinesia. Last evaluated: 2021-07-24. Review status: criteria provided, single submitter. Criteria: Invitae Variant Classification Sherloc (09022015). Collection method: clinical testing. Allele origin: germline.
Comment: In summary, the available evidence is currently insufficient to determine the role of this variant in disease. Therefore, it has been classified as a Variant of Uncertain Significance. Advanced modeling of protein sequence and biophysical properties (such as structural, functional, and spatial information, amino acid conservation, physicochemical variation, residue mobility, and thermodynamic stability) performed at Invitae indicates that this missense variant is not expected to disrupt DNAH5 protein function. This variant has not been reported in the literature in individuals affected with DNAH5-related conditions. This variant is not present in population databases (ExAC no frequency). This sequence change replaces leucine with proline at codon 189 of the DNAH5 protein (p.Leu189Pro). The leucine residue is moderately conserved and there is a moderate physicochemical difference between leucine and proline.